The following is an entry in ClinVar:

NM_000038.6(APC):c.1743+1900G>T

Gene: APC (APC regulator of WNT signaling pathway; plus strand). Cytogenetic location: 5q22.2.
Variant type: single nucleotide variant.
Coding change: c.1743+1900G>T on transcript NM_000038.6 (MANE Select); 1900 bases into the intron after coding-DNA position 1743, G replaced by T.
Molecular consequence: intron variant.
Genome position (GRCh38, 1-based): chr5:112,830,872, G>T. VCF-style: chr5-112830872-G-T. GRCh37 (hg19) VCF-style: chr5-112166569-G-T.
Other names: c.1743+1900G>T (NM_001354895.2, NM_001127510.3); c.1773+1900G>T (NM_001354897.2); c.1470+1900G>T (NM_001354902.2); c.1689+1900G>T (NM_001127511.3); c.1668+1900G>T (NM_001354898.2); c.1365+1900G>T (NM_001354904.2); c.894+1900G>T (NM_001354906.2); c.1797+1900G>T (NM_001354896.2); and 5 more.
Identifiers: ClinVar variation 82596 (VCV000082596.2), dbSNP rs80072260, ClinGen allele CA005572.

ClinVar aggregate classification (germline): other (0 of 4 stars; one submission).

Conditions:
Familial colorectal cancer. Identifiers: MedGen CN280943, MONDO:0023113. Disease mechanism: loss of function.

Submission:

Systems Biology Platform Zhejiang California International NanoSystems Institute
Classification: other for Familial colorectal cancer. Review status: no assertion criteria provided. Collection method: not provided. Allele origin: unknown.
ClinVar note: Converted during submission from cancer to other.